The following is an entry in ClinVar:

ClinVar aggregate classification (germline): Uncertain significance (1 of 4 stars; one submission).

Conditions:
Multiple endocrine neoplasia, type 2 (MEN2). Identifiers: Orphanet 653, MedGen C4048306, MONDO:0019003. Disease mechanism: gain of function.

Submission:

Labcorp Genetics (formerly Invitae), Labcorp
Classification: Uncertain significance for Multiple endocrine neoplasia, type 2. Last evaluated: 2023-02-08. Review status: criteria provided, single submitter. Criteria: Invitae Variant Classification Sherloc (09022015). Collection method: clinical testing. Allele origin: germline.
Comment: Algorithms developed to predict the effect of missense changes on protein structure and function (SIFT, PolyPhen-2, Align-GVGD) all suggest that this variant is likely to be disruptive. This sequence change replaces leucine, which is neutral and non-polar, with proline, which is neutral and non-polar, at codon 398 of the RET protein (p.Leu398Pro). This variant is not present in population databases (gnomAD no frequency). This missense change has been observed in individual(s) with Hirschsprung disease (PMID: 22648184). In summary, the available evidence is currently insufficient to determine the role of this variant in disease. Therefore, it has been classified as a Variant of Uncertain Significance.

Literature cited by the submitters: PubMed 22648184.

NM_020975.6(RET):c.1193T>C (p.Leu398Pro)

Gene: RET (ret proto-oncogene; plus strand). Cytogenetic location: 10q11.21.
Variant type: single nucleotide variant.
Coding change: c.1193T>C on transcript NM_020975.6 (MANE Select); coding-DNA position 1193, T replaced by C.
Protein change: p.Leu398Pro; replaces leucine 398 with proline.
Molecular consequence: missense variant. On other transcripts: intron variant (18).
Genome position (GRCh38, 1-based): chr10:43,109,160, T>C. VCF-style: chr10-43109160-T-C. GRCh37 (hg19) VCF-style: chr10-43604608-T-C.
Other names: c.1193T>C, p.Leu398Pro (NM_000323.2, NM_001406743.1, NM_001406744.1 and 6 more transcripts); c.431T>C, p.Leu144Pro (NM_001355216.2); c.905T>C, p.Leu302Pro (NM_001406770.1, NM_001406766.1, NM_001406767.1); c.755T>C, p.Leu252Pro (NM_001406771.1, NM_001406773.1); c.467T>C, p.Leu156Pro (NM_001406775.1, NM_001406776.1, NM_001406777.1 and 1 more transcripts); c.203T>C, p.Leu68Pro (NM_001406784.1); c.868-2047T>C (NM_001406772.1, NM_001406769.1); c.626-2939T>C (NM_001406782.1, NM_001406780.1, NM_001406779.1 and 3 more transcripts); and 5 more; short protein forms L156P, L355P, L252P, L302P, L398P, L68P, L144P.
Identifiers: ClinVar variation 2735389 (VCV002735389.3), dbSNP rs2538425202, ClinGen allele CA376547740.
Genomic context (GRCh38, chr10:43,109,160, plus strand): 5'-ACTCAGACTTCCAGGGCCCAGGAGCGGGCGTCCTCTTGCTCCACTTCAACGTGTCGGTGC[T>C]GCCGGTCAGCCTGCACCTGCCCAGTACCTACTCCCTCTCCGTGAGCAGGAGGGCTCGCCG-3'
Protein context (NP_066124.1, residues 388-408): VLLLHFNVSV[Leu398Pro]PVSLHLPSTY